The following is an entry in ClinVar:

ClinVar aggregate classification (germline): Conflicting classifications of pathogenicity. Review status: criteria provided, conflicting classifications (1 of 4 stars). 2 submissions from 2 submitters: Uncertain significance (1); Likely benign (1). Last evaluated 2024-03-04.

Conditions:
Isolated microphthalmia 5. Also called: Posterior Microphthalmia with Retinitis Pigmentosa, Foveoschisis, and Optic Disc Drusen. Identifiers: Orphanet 251279, MedGen C1970236, MONDO:0012605, OMIM 611040.

Allele frequency attached by ClinVar (database versions not stated): gnomAD exomes 0.00001; gnomAD 0.00005 and 0.00006; ESP Exome Variant Server 0.00015; TOPMed 0.00006; ExAC 0.00001.
gnomAD v4.1: 23 of 1,613,292 alleles (0.0014%); highest among the groups gnomAD compares: African/African-American, 0.008%; no homozygotes.

Submissions (2):

Blueprint Genetics
Classification: Likely benign. Last evaluated: 2024-03-04. Review status: criteria provided, single submitter. Criteria: ACMG Guidelines, 2015. Collection method: clinical testing. Allele origin: germline.

Labcorp Genetics (formerly Invitae), Labcorp
Classification: Uncertain significance for Isolated microphthalmia 5. Last evaluated: 2023-12-04. Review status: criteria provided, single submitter. Criteria: Invitae Variant Classification Sherloc (09022015). Collection method: clinical testing. Allele origin: germline.
Comment: This sequence change replaces valine, which is neutral and non-polar, with isoleucine, which is neutral and non-polar, at codon 47 of the MFRP protein (p.Val47Ile). This variant is present in population databases (rs143802236, gnomAD 0.007%). This variant has not been reported in the literature in individuals affected with MFRP-related conditions. ClinVar contains an entry for this variant (Variation ID: 1060790). Advanced modeling of protein sequence and biophysical properties (such as structural, functional, and spatial information, amino acid conservation, physicochemical variation, residue mobility, and thermodynamic stability) performed at Invitae indicates that this missense variant is not expected to disrupt MFRP protein function with a negative predictive value of 80%. In summary, the available evidence is currently insufficient to determine the role of this variant in disease. Therefore, it has been classified as a Variant of Uncertain Significance.

NM_031433.4(MFRP):c.139G>A (p.Val47Ile)

Genes: C1QTNF5 (C1q and TNF related 5; minus strand), MFRP (membrane frizzled-related protein; minus strand). Cytogenetic location: 11q23.3.
Variant type: single nucleotide variant.
Coding change: c.139G>A on transcript NM_031433.4 (MANE Select); coding-DNA position 139, G replaced by A.
Protein change: p.Val47Ile; replaces valine 47 with isoleucine.
Molecular consequence: missense variant. On other transcripts: 5 prime UTR variant (1).
Genome position (GRCh38, 1-based): chr11:119,346,290, C>T on the plus strand (G>A on the coding strand, the complement: MFRP is on the minus strand). VCF-style: chr11-119346290-C-T. GRCh37 (hg19) VCF-style: chr11-119217000-C-T.
Other names: c.-2498G>A (NM_015645.5); short protein forms V47I.
Identifiers: ClinVar variation 1060790 (VCV001060790.10), dbSNP rs143802236, ClinGen allele CA6320698.